The following is an entry in ClinVar:

ClinVar aggregate classification (germline): Uncertain significance. Review status: criteria provided, multiple submitters, no conflicts (2 of 4 stars). 2 submissions from 2 submitters: Uncertain significance (2). Last evaluated 2025-01-29.

Conditions:
Holoprosencephaly 5 (HPE5). Identifiers: Orphanet 2162, MedGen C1864827, MONDO:0012322, OMIM 609637.

Allele frequency attached by ClinVar (database versions not stated): gnomAD exomes below 0.00001; gnomAD 0.00001; TOPMed 0.00001.

Submissions (2):

Labcorp Genetics (formerly Invitae), Labcorp
Classification: Uncertain significance for Holoprosencephaly 5. Last evaluated: 2025-01-29. Review status: criteria provided, single submitter. Criteria: Invitae Variant Classification Sherloc (09022015). Collection method: clinical testing. Allele origin: germline.
Comment: This sequence change replaces glycine, which is neutral and non-polar, with cysteine, which is neutral and slightly polar, at codon 484 of the ZIC2 protein (p.Gly484Cys). The frequency data for this variant in the population databases is considered unreliable, as metrics indicate insufficient coverage at this position in the gnomAD database. This variant has not been reported in the literature in individuals affected with ZIC2-related conditions. ClinVar contains an entry for this variant (Variation ID: 3026986). Experimental studies and prediction algorithms are not available or were not evaluated, and the functional significance of this variant is currently unknown. In summary, the available evidence is currently insufficient to determine the role of this variant in disease. Therefore, it has been classified as a Variant of Uncertain Significance.

CeGaT Center for Human Genetics Tuebingen
Classification: Uncertain significance. Last evaluated: 2024-01-01. Review status: criteria provided, single submitter. Criteria: CeGaT Center For Human Genetics Tuebingen Variant Classification Criteria Version 2. Collection method: clinical testing. Allele origin: germline. Affected: yes. Observed: 1 variant allele.
Comment: ZIC2: PP2

NM_007129.5(ZIC2):c.1450G>T (p.Gly484Cys)

Gene: ZIC2 (Zic family zinc finger 2; plus strand). Cytogenetic location: 13q32.3.
Variant type: single nucleotide variant.
Coding change: c.1450G>T on transcript NM_007129.5 (MANE Select); coding-DNA position 1450, G replaced by T.
Protein change: p.Gly484Cys; replaces glycine 484 with cysteine.
Molecular consequence: missense variant.
Genome position (GRCh38, 1-based): chr13:99,985,533, G>T. VCF-style: chr13-99985533-G-T. GRCh37 (hg19) VCF-style: chr13-100637787-G-T.
Other names: short protein forms G484C.
Identifiers: ClinVar variation 3026986 (VCV003026986.24), dbSNP rs2053262258, ClinGen allele CA388639588.